The following is an entry in ClinVar:

ClinVar aggregate classification (germline): Uncertain significance (1 of 4 stars; one submission).

Conditions:
Hereditary cancer-predisposing syndrome. Also called: Neoplastic Syndromes, Hereditary; Hereditary Cancer Syndrome; Tumor predisposition; Hereditary neoplastic syndrome. Identifiers: Orphanet 140162, MedGen C0027672, MeSH D009386, MONDO:0015356.

Submission:

Ambry Genetics
Classification: Uncertain significance for Hereditary cancer-predisposing syndrome. Last evaluated: 2023-02-04. Review status: criteria provided, single submitter. Criteria: Ambry Variant Classification Scheme 2023. Collection method: clinical testing. Allele origin: germline.
Comment: The p.R64P variant (also known as c.191G>C), located in coding exon 3 of the XRCC2 gene, results from a G to C substitution at nucleotide position 191. The arginine at codon 64 is replaced by proline, an amino acid with dissimilar properties. This amino acid position is conserved. In addition, this alteration is predicted to be deleterious by in silico analysis. Since supporting evidence is limited at this time, the clinical significance of this alteration remains unclear.

NM_005431.2(XRCC2):c.191G>C (p.Arg64Pro)

Gene: XRCC2 (X-ray repair cross complementing 2; minus strand). Cytogenetic location: 7q36.1.
Variant type: single nucleotide variant.
Coding change: c.191G>C on transcript NM_005431.2 (MANE Select); coding-DNA position 191, G replaced by C.
Protein change: p.Arg64Pro; replaces arginine 64 with proline.
Molecular consequence: missense variant.
Genome position (GRCh38, 1-based): chr7:152,649,294, C>G on the plus strand (G>C on the coding strand, the complement: XRCC2 is on the minus strand). VCF-style: chr7-152649294-C-G. GRCh37 (hg19) VCF-style: chr7-152346379-C-G.
Other names: short protein forms R64P.
Identifiers: ClinVar variation 2447659 (VCV002447659.2), dbSNP rs781506113, ClinGen allele CA370199232.